The following is an entry in ClinVar:

NM_001330360.2(POLA1):c.169-1G>A

Gene: POLA1 (DNA polymerase alpha 1, catalytic subunit; plus strand). Cytogenetic location: Xp22.11.
Variant type: single nucleotide variant.
Coding change: c.169-1G>A on transcript NM_001330360.2 (MANE Select); the canonical splice acceptor site of the intron before coding-DNA position 169, G replaced by A.
Molecular consequence: splice acceptor variant.
Genome position (GRCh38, 1-based): chrX:24,703,250, G>A. VCF-style: chrX-24703250-G-A. GRCh37 (hg19) VCF-style: chrX-24721367-G-A.
Other names: c.169-1G>A (NM_001440806.1, NM_001378303.1); c.151-1G>A (NM_016937.4).
Identifiers: ClinVar variation 4847881 (VCV004847881.1).
Genomic context (GRCh38, chrX:24,703,250, plus strand): 5'-ATTATTTAACACTTTGACTCCTCTATTTGAAGCTTTTTTCCTGAAACTTGTATAATGGTA[G>A]GTCGAGGACTTCACAGGTGTTTATGAAGAAGTTGATGAAGAACAGTATTCGAAGCTGGTT-3'

ClinVar aggregate classification (germline): Uncertain significance (1 of 4 stars; one submission).

Submission:

Women's Health and Genetics/Laboratory Corporation of America, LabCorp
Classification: Uncertain significance. Last evaluated: 2026-02-12. Review status: criteria provided, single submitter. Criteria: LabCorp Variant Classification Summary - May 2015. Collection method: clinical testing. Allele origin: germline.
Comment: Variant summary: POLA1 c.151-1G>A is located in a canonical splice-site and is predicted to affect mRNA splicing resulting in a significantly altered protein due to either exon skipping, shortening, or inclusion of intronic material. Variants that disrupt the consensus splice site are a relatively common cause of aberrant splicing, however current evidence is not sufficient to establish loss of function as a mechanism for disease. Several computational tools predict a significant impact on normal splicing: Two predict the variant abolishes a 3' acceptor site and one predicts the variant has no significant impact on splicing. However, these predictions have yet to be confirmed by functional studies. The variant was absent in 176526 control chromosomes. The available data on variant occurrences in the general population are insufficient to allow any conclusion about variant significance. To our knowledge, no occurrence of c.151-1G>A in individuals affected with POLA1-related conditions and no experimental evidence demonstrating its impact on protein function have been reported. No submitters have cited clinical-significance assessments for this variant to ClinVar. Based on the evidence outlined above, the variant was classified as uncertain significance.